The following is an entry in ClinVar:

ClinVar aggregate classification (germline): Uncertain significance (1 of 4 stars; one submission).

Allele frequency attached by ClinVar (database versions not stated): gnomAD exomes below 0.00001.
gnomAD v4.1: 3 of 1,606,902 alleles (0.00019%); highest among the groups gnomAD compares: Non-Finnish European, 0.00017%; no homozygotes.

Submission:

Labcorp Genetics (formerly Invitae), Labcorp
Classification: Uncertain significance. Last evaluated: 2022-06-10. Review status: criteria provided, single submitter. Criteria: Invitae Variant Classification Sherloc (09022015). Collection method: clinical testing. Allele origin: germline.
Comment: Algorithms developed to predict the effect of missense changes on protein structure and function (SIFT, PolyPhen-2, Align-GVGD) all suggest that this variant is likely to be tolerated. In summary, the available evidence is currently insufficient to determine the role of this variant in disease. Therefore, it has been classified as a Variant of Uncertain Significance. Algorithms developed to predict the effect of sequence changes on RNA splicing suggest that this variant may create or strengthen a splice site. This variant has not been reported in the literature in individuals affected with RFWD3-related conditions. This variant is not present in population databases (gnomAD no frequency). This sequence change replaces alanine, which is neutral and non-polar, with valine, which is neutral and non-polar, at codon 5 of the RFWD3 protein (p.Ala5Val).

NM_018124.4(RFWD3):c.14C>T (p.Ala5Val)

Gene: RFWD3 (ring finger and WD repeat domain 3; minus strand). Cytogenetic location: 16q23.1.
Variant type: single nucleotide variant.
Coding change: c.14C>T on transcript NM_018124.4 (MANE Select); coding-DNA position 14, C replaced by T.
Protein change: p.Ala5Val; replaces alanine 5 with valine.
Molecular consequence: missense variant. On other transcripts: 5 prime UTR variant (4), intron variant (1).
Genome position (GRCh38, 1-based): chr16:74,661,436, G>A on the plus strand (C>T on the coding strand, the complement: RFWD3 is on the minus strand). VCF-style: chr16-74661436-G-A. GRCh37 (hg19) VCF-style: chr16-74695334-G-A.
Other names: c.14C>T, p.Ala5Val (NM_001370534.1, NM_001370535.1, NM_001370536.1); c.-995C>T (NM_001370537.1); c.-618C>T (NM_001370539.1, NM_001370541.1); c.-872C>T (NM_001370542.1); c.-750C>T (NM_001370543.1); c.-317+3188C>T (NM_001370540.1); short protein forms A5V.
Identifiers: ClinVar variation 2054397 (VCV002054397.4), dbSNP rs2544145385, ClinGen allele CA396764785.